The following is an entry in ClinVar:

ClinVar aggregate classification (germline): Uncertain significance (1 of 4 stars; one submission).

Conditions:
Tuberous sclerosis 1 (TSC1). Identifiers: Orphanet 805, MedGen C1854465, MONDO:0008612, OMIM 191100.

gnomAD v4.1: 1 of 1,613,202 alleles (0.000062%); highest among the groups gnomAD compares: Non-Finnish European, 0.000085%; no homozygotes.

Submission:

Labcorp Genetics (formerly Invitae), Labcorp
Classification: Uncertain significance for Tuberous sclerosis 1. Last evaluated: 2020-07-20. Review status: criteria provided, single submitter. Criteria: Invitae Variant Classification Sherloc (09022015). Collection method: clinical testing. Allele origin: germline.
Comment: In summary, the available evidence is currently insufficient to determine the role of this variant in disease. Therefore, it has been classified as a Variant of Uncertain Significance. Algorithms developed to predict the effect of missense changes on protein structure and function are either unavailable or do not agree on the potential impact of this missense change (SIFT: "Deleterious"; PolyPhen-2: "Probably Damaging"; Align-GVGD: "Class C0"). This variant has not been reported in the literature in individuals with TSC1-related conditions. This variant is not present in population databases (ExAC no frequency). This sequence change replaces arginine with glycine at codon 715 of the TSC1 protein (p.Arg715Gly). The arginine residue is highly conserved and there is a moderate physicochemical difference between arginine and glycine.

NM_000368.5(TSC1):c.2143C>G (p.Arg715Gly)

Gene: TSC1 (TSC complex subunit 1; minus strand). Cytogenetic location: 9q34.13.
Variant type: single nucleotide variant.
Coding change: c.2143C>G on transcript NM_000368.5 (MANE Select); coding-DNA position 2143, C replaced by G.
Protein change: p.Arg715Gly; replaces arginine 715 with glycine.
Molecular consequence: missense variant.
Genome position (GRCh38, 1-based): chr9:132,903,716, G>C on the plus strand (C>G on the coding strand, the complement: TSC1 is on the minus strand). VCF-style: chr9-132903716-G-C. GRCh37 (hg19) VCF-style: chr9-135779103-G-C.
Other names: c.2140C>G, p.Arg714Gly (NM_001162426.2); c.1990C>G, p.Arg664Gly (NM_001162427.2); c.1780C>G, p.Arg594Gly (NM_001362177.2); short protein forms R714G, R664G, R715G, R594G.
Identifiers: ClinVar variation 1040962 (VCV001040962.8), dbSNP rs1564478519, ClinGen allele CA375360904.